The following is an entry in ClinVar:

ClinVar aggregate classification (germline): Conflicting classifications of pathogenicity. Review status: criteria provided, conflicting classifications (1 of 4 stars). 15 submissions from 15 submitters: Uncertain significance (1); Benign (1); Likely benign (8). 5 of the submissions do not count toward it. Last evaluated 2026-01-09.

Conditions:
LMNA-related disorder. Also called: LMNA-related condition; LMNA-related disease; LMNA-related disorders. Identifiers: MedGen CN380145.
Cardiovascular phenotype. Identifiers: MedGen CN230736.
Charcot-Marie-Tooth disease type 2. Also called: Charcot-Marie-Tooth type 2. Identifiers: Orphanet 64746, MedGen C0270914, MONDO:0018993.
Cardiomyopathy (CMYO). Also called: Cardiomyopathies. Identifiers: Orphanet 167848, MedGen C0878544, MONDO:0004994, HP:0001638. Inheritance: Various modes of inheritance.
Primary dilated cardiomyopathy (DCM). Also called: Dilated Cardiomyopathy. Identifiers: Orphanet 217604, MedGen C0007193, MeSH D002311, MONDO:0005021, HP:0001644. Inheritance: Various modes of inheritance.

Allele frequency attached by ClinVar (database versions not stated): gnomAD exomes 0.00007; TOPMed 0.00008; ExAC 0.00009; gnomAD 0.00015 and 0.00016; ESP Exome Variant Server 0.00016.
gnomAD v4.1: 146 of 1,555,920 alleles (0.0094%); highest among the groups gnomAD compares: Non-Finnish European, 0.011%; no homozygotes.

Submissions (15):

Labcorp Genetics (formerly Invitae), Labcorp
Classification: Likely benign for Charcot-Marie-Tooth disease type 2. Last evaluated: 2026-01-09. Review status: criteria provided, single submitter. Criteria: Invitae Variant Classification Sherloc (09022015). Collection method: clinical testing. Allele origin: germline.

Women's Health and Genetics/Laboratory Corporation of America, LabCorp
Classification: Likely benign. Last evaluated: 2025-11-25. Review status: criteria provided, single submitter. Criteria: LabCorp Variant Classification Summary - May 2015. Collection method: clinical testing. Allele origin: germline.

Blueprint Genetics
Classification: Likely benign. Last evaluated: 2024-05-22. Review status: criteria provided, single submitter. Criteria: ACMG Guidelines, 2015. Collection method: clinical testing. Allele origin: germline.

All of Us Research Program, National Institutes of Health
Classification: Likely benign for Primary dilated cardiomyopathy. Last evaluated: 2024-02-05. Review status: criteria provided, single submitter. Criteria: ACMG Guidelines, 2015. Collection method: clinical testing. Allele origin: germline. Inheritance: Autosomal dominant inheritance. Observed: 27 variant alleles, 27 heterozygotes.
Comment: This study involves interpretation of variants in research participants for the purpose of population health screening. Participant phenotype was not available at the time of variant classification. Additional details can be found in publication PMID: 35346344, PMCID: PMC8962531

ARUP Laboratories, Molecular Genetics and Genomics, ARUP Laboratories
Classification: Likely benign. Last evaluated: 2020-04-17. Review status: criteria provided, single submitter. Criteria: ARUP Molecular Germline Variant Investigation Process. Collection method: clinical testing. Allele origin: germline.

Color Diagnostics, LLC DBA Color Health
Classification: Likely benign for Cardiomyopathy. Last evaluated: 2018-11-22. Review status: criteria provided, single submitter. Criteria: ACMG Guidelines, 2015. Collection method: clinical testing. Allele origin: germline.

Eurofins Ntd Llc (ga)
Classification: Uncertain significance. Last evaluated: 2017-05-05. Review status: criteria provided, single submitter. Criteria: EGL Classification Definitions 2015. Collection method: clinical testing. Allele origin: germline. Observed: 2 variant alleles, 2 heterozygotes.

Ambry Genetics
Classification: Likely benign for Cardiovascular phenotype. Last evaluated: 2016-09-29. Review status: criteria provided, single submitter. Criteria: Ambry Variant Classification Scheme 2023. Collection method: clinical testing. Allele origin: germline.

GeneDx
Classification: Benign. Last evaluated: 2015-08-18. Review status: criteria provided, single submitter. Criteria: GeneDx Variant Classification (06012015). Collection method: clinical testing. Allele origin: germline. Affected: yes.
Comment: This variant is considered likely benign or benign based on one or more of the following criteria: it is a conservative change, it occurs at a poorly conserved position in the protein, it is predicted to be benign by multiple in silico algorithms, and/or has population frequency not consistent with disease.

Laboratory for Molecular Medicine, Mass General Brigham Personalized Medicine
Classification: Likely benign. Last evaluated: 2014-08-12. Review status: criteria provided, single submitter. Criteria: LMM Criteria. Collection method: clinical testing. Allele origin: germline. Observed: 1 variant allele.
Comment: Asp552Asp in exon 10 of LMNA: This variant is not expected to have clinical sign ificance because it does not alter an amino acid residue and is not located with in the splice consensus sequence. It has been identified in 2/8484 European Amer ican chromosomes from a broad population by the NHLBI Exome Sequencing Project.

PreventionGenetics, part of Exact Sciences
Classification: Likely benign for LMNA-related condition. Last evaluated: 2024-07-05. Review status: no assertion criteria provided. Collection method: clinical testing. Allele origin: germline. Not counted in ClinVar's aggregate classification.
Comment: This variant is classified as likely benign based on ACMG/AMP sequence variant interpretation guidelines (Richards et al. 2015 PMID: 25741868, with internal and published modifications).

Clinical Genetics, Academic Medical Center
Classification: Benign. Review status: no assertion criteria provided. Collection method: clinical testing. Allele origin: germline. Affected: yes. Study: VKGL Data-share Consensus. Not counted in ClinVar's aggregate classification.

Diagnostic Laboratory, Department of Genetics, University Medical Center Groningen
Classification: Likely benign. Review status: no assertion criteria provided. Collection method: clinical testing. Allele origin: germline. Affected: yes. Study: VKGL Data-share Consensus. Not counted in ClinVar's aggregate classification.

Genome Diagnostics Laboratory, University Medical Center Utrecht
Classification: Likely benign. Review status: no assertion criteria provided. Collection method: clinical testing. Allele origin: germline. Affected: yes. Study: VKGL Data-share Consensus. Not counted in ClinVar's aggregate classification.

Joint Genome Diagnostic Labs from Nijmegen and Maastricht, Radboudumc and MUMC+
Classification: Likely benign. Review status: no assertion criteria provided. Collection method: clinical testing. Allele origin: germline. Affected: yes. Study: VKGL Data-share Consensus. Not counted in ClinVar's aggregate classification.

NM_170707.4(LMNA):c.1656C>T (p.Asp552=)

Gene: LMNA (lamin A/C; plus strand). Cytogenetic location: 1q22.
Variant type: single nucleotide variant.
Coding change: c.1656C>T on transcript NM_170707.4 (MANE Select); coding-DNA position 1656, C replaced by T.
Protein change: p.Asp552=; no amino-acid change (aspartic acid 552 retained).
Molecular consequence: synonymous variant. On other transcripts: intron variant (1).
Genome position (GRCh38, 1-based): chr1:156,137,701, C>T. VCF-style: chr1-156137701-C-T. GRCh37 (hg19) VCF-style: chr1-156107492-C-T.
Other names: c.1320C>T, p.Asp440= (NM_001257374.3); c.1413C>T, p.Asp471= (NM_001282624.2); c.1656C>T, p.Asp552= (NM_001282625.2, NM_001282626.2, NM_005572.4); c.1608+469C>T (NM_170708.4).
Identifiers: ClinVar variation 48047 (VCV000048047.44), dbSNP rs370219874, ClinGen allele CA017656.